The following is an entry in ClinVar:

ClinVar aggregate classification (germline): Uncertain significance (1 of 4 stars; one submission).

Conditions:
Hereditary cancer-predisposing syndrome. Also called: Neoplastic Syndromes, Hereditary; Tumor predisposition; Hereditary neoplastic syndrome; Hereditary Cancer Syndrome. Identifiers: Orphanet 140162, MedGen C0027672, MeSH D009386, MONDO:0015356.

Allele frequency attached by ClinVar (database versions not stated): gnomAD exomes below 0.00001.

Submission:

Ambry Genetics
Classification: Uncertain significance for Hereditary cancer-predisposing syndrome. Last evaluated: 2023-10-05. Review status: criteria provided, single submitter. Criteria: Ambry Variant Classification Scheme 2023. Collection method: clinical testing. Allele origin: germline.
Comment: The p.A986V variant (also known as c.2957C>T), located in coding exon 20 of the TSC1 gene, results from a C to T substitution at nucleotide position 2957. The alanine at codon 986 is replaced by valine, an amino acid with similar properties. This amino acid position is well conserved in available vertebrate species. In addition, this alteration is predicted to be tolerated by in silico analysis. Since supporting evidence is limited at this time, the clinical significance of this alteration remains unclear.

NM_000368.5(TSC1):c.2957C>T (p.Ala986Val)

Gene: TSC1 (TSC complex subunit 1; minus strand). Cytogenetic location: 9q34.13.
Variant type: single nucleotide variant.
Coding change: c.2957C>T on transcript NM_000368.5 (MANE Select); coding-DNA position 2957, C replaced by T.
Protein change: p.Ala986Val; replaces alanine 986 with valine.
Molecular consequence: missense variant. On other transcripts: non-coding transcript variant (5).
Genome position (GRCh38, 1-based): chr9:132,897,202, G>A on the plus strand (C>T on the coding strand, the complement: TSC1 is on the minus strand). VCF-style: chr9-132897202-G-A. GRCh37 (hg19) VCF-style: chr9-135772589-G-A.
Other names: c.2591C>T, p.Ala864Val (NM_001406620.1, NM_001406623.1, NM_001406621.1 and 1 more transcripts); c.2552C>T, p.Ala851Val (NM_001406624.1); c.2954C>T, p.Ala985Val (NM_001162426.2, NM_001406597.1, NM_001406598.1 and 2 more transcripts); c.2804C>T, p.Ala935Val (NM_001162427.2, NM_001406610.1); c.2594C>T, p.Ala865Val (NM_001362177.2, NM_001406614.1, NM_001406615.1 and 4 more transcripts); c.2957C>T, p.Ala986Val (NM_001406592.1, NM_001406593.1, NM_001406594.1 and 2 more transcripts); c.2942C>T, p.Ala981Val (NM_001406601.1, NM_001406602.1); c.2939C>T, p.Ala980Val (NM_001406603.1, NM_001406604.1); and 8 more; short protein forms A635V, A668V, A669V, A850V, A851V, A864V, A865V, A920V.
Identifiers: ClinVar variation 3231312 (VCV003231312.1), dbSNP rs2131623418, ClinGen allele CA375368282.